The following is an entry in ClinVar:

NM_022455.5(NSD1):c.2108del (p.Leu703fs)

Gene: NSD1 (nuclear receptor binding SET domain protein 1; plus strand). Cytogenetic location: 5q35.3.
Variant type: Deletion.
Coding change: c.2108del on transcript NM_022455.5 (MANE Select); coding-DNA position 2108, one base deleted (T; older notation c.2108delT).
Protein change: p.Leu703fs; shifts the reading frame from leucine 703.
Molecular consequence: frameshift variant.
Genome position (GRCh38, 1-based): chr5:177,210,507, T deleted. VCF-style (leftmost placement, unchanged base first): chr5-177210506-CT-C. GRCh37 (hg19) VCF-style: chr5-176637507-CT-C.
Other names: c.1235delT, p.Leu412Profs (NM_001365684.2, NM_001409306.1, NM_001409307.1 and 3 more transcripts); c.2108delT, p.Leu703Profs (NM_001409301.1, NM_001409302.1, NM_001409303.1); c.1688delT, p.Leu563Profs (NM_001409304.1); c.1355delT, p.Leu452Profs (NM_001409305.1); short protein forms L434fs, L703fs.
Identifiers: ClinVar variation 280321 (VCV000280321.2), dbSNP rs886041550, ClinGen allele CA10602986.

ClinVar aggregate classification (germline): Pathogenic (1 of 4 stars; one submission).

Submission:

GeneDx
Classification: Pathogenic. Last evaluated: 2016-02-12. Review status: criteria provided, single submitter. Criteria: GeneDx Variant Classification (06012015). Collection method: clinical testing. Allele origin: germline. Affected: yes.
Comment: The c.2108delT pathogenic variant in the NSD1 gene causes a frameshift starting with codon Leucine 703, changes this amino acid to a Proline residue and creates a premature Stop codon at position 10 of the new reading frame, denoted p.Leu703ProfsX10. This pathogenic variant is predicted to cause loss of normal protein function either through protein truncation or nonsense-mediated mRNA decay. Although this variant has not been previously reported to our knowledge, other frameshift variants have been reported in the NSD1 gene in association with Sotos syndrome (Stenson et al., 2014).